The following is an entry in ClinVar:

NM_004859.4(CLTC):c.2517A>G (p.Gln839=)

Gene: CLTC (clathrin heavy chain; plus strand). Cytogenetic location: 17q23.1.
Variant type: single nucleotide variant.
Coding change: c.2517A>G on transcript NM_004859.4 (MANE Select); coding-DNA position 2517, A replaced by G.
Protein change: p.Gln839=; no amino-acid change (glutamine 839 retained).
Molecular consequence: synonymous variant.
Genome position (GRCh38, 1-based): chr17:59,674,799, A>G. VCF-style: chr17-59674799-A-G. GRCh37 (hg19) VCF-style: chr17-57752160-A-G.
Other names: c.2517A>G (NM_004859.3); c.2529A>G, p.Gln843= (NM_001288653.2).
Identifiers: ClinVar variation 1254560 (VCV001254560.15), dbSNP rs2143575574, ClinGen allele CA501090321.

ClinVar aggregate classification (germline): Uncertain significance. Review status: criteria provided, multiple submitters, no conflicts (2 of 4 stars). 5 submissions from 5 submitters: Uncertain significance (5). Last evaluated 2026-07-13.

Conditions:
Intellectual developmental disorder, autosomal dominant 56. Also called: MENTAL RETARDATION, AUTOSOMAL DOMINANT 56; Intellectual disability, autosomal dominant 56. Identifiers: MedGen C4693389, MONDO:0030922, OMIM 617854.
Inborn genetic diseases. Identifiers: MedGen C0950123, MeSH D030342.

Allele frequency attached by ClinVar (database versions not stated): gnomAD exomes below 0.00001.

Submissions (5):

Ambry Genetics
Classification: Uncertain significance for Inborn genetic diseases. Last evaluated: 2026-07-13. Review status: criteria provided, single submitter. Criteria: Ambry Variant Classification Scheme 2023. Collection method: clinical testing. Allele origin: germline.
Comment: The c.2517A>G (p.Q839Q) alteration is located in exon 16 (coding exon 16) of the CLTC gene. This alteration consists of an A to G substitution at nucleotide position 2517. This nucleotide substitution does not change the amino acid at codon 839. This variant was not reported in population-based cohorts in the Genome Aggregation Database (gnomAD). This variant was determined to be de novo in at least one individual with features consistent with CLTC-related neurodevelopmental disorder (external communication). This nucleotide position is not well conserved in available vertebrate species. In silico splice site analysis predicts that this alteration may weaken the native splice donor site and will result in the creation or strengthening of a novel splice donor site. Based on insufficient or conflicting evidence, the clinical significance of this alteration remains unclear.

Victorian Clinical Genetics Services, Murdoch Childrens Research Institute
Classification: Uncertain significance for Intellectual developmental disorder, autosomal dominant 56. Last evaluated: 2026-02-09. Review status: criteria provided, single submitter. Criteria: ACMG Guidelines, 2015. Collection method: clinical testing. Allele origin: germline. Affected: yes.
Comment: This variant is classified as VUS-3B. Evidence in support of pathogenic classification: Variant is present in gnomAD <0.001 for a dominant condition (v4: 1 heterozygote(s), 0 homozygote(s)); Additional information: Synonymous variant without known or predicted effect; This variant is heterozygous; This gene is associated with autosomal dominant disease; Previous evidence of pathogenicity for this variant is inconclusive. This variant has been classified as a VUS by clinical laboratories in ClinVar; No published evidence of segregation with disease has been identified for this variant; No published functional evidence has been identified for this variant; No comparable variants affecting the same nucleotide have previous evidence for pathogenicity; In silico prediction for abnormal splicing and nucleotide conservation are conflicting; Loss of function is a known mechanism of disease in this gene and is associated with autosomal dominant intellectual developmental disorder 56 (MIM#617854).

GeneDx
Classification: Uncertain significance. Last evaluated: 2023-08-16. Review status: criteria provided, single submitter. Criteria: GeneDx Variant Classification Process June 2021. Collection method: clinical testing. Allele origin: germline. Affected: yes.
Comment: Not observed at significant frequency in large population cohorts (gnomAD); In silico analysis supports a deleterious effect on splicing; Has not been previously published as pathogenic or benign to our knowledge

Labcorp Genetics (formerly Invitae), Labcorp
Classification: Uncertain significance. Last evaluated: 2022-07-09. Review status: criteria provided, single submitter. Criteria: Invitae Variant Classification Sherloc (09022015). Collection method: clinical testing. Allele origin: germline.
Comment: This variant has not been reported in the literature in individuals affected with CLTC-related conditions. ClinVar contains an entry for this variant (Variation ID: 1254560). Algorithms developed to predict the effect of sequence changes on RNA splicing suggest that this variant may disrupt the consensus splice site. In summary, the available evidence is currently insufficient to determine the role of this variant in disease. Therefore, it has been classified as a Variant of Uncertain Significance. This sequence change affects codon 843 of the CLTC mRNA. It is a 'silent' change, meaning that it does not change the encoded amino acid sequence of the CLTC protein. This variant is not present in population databases (gnomAD no frequency).

CENTOGENE GmbH and LLC - Guiding Precision Medicine
Classification: Uncertain significance for Intellectual developmental disorder, autosomal dominant 56. Last evaluated: 2021-05-10. Review status: criteria provided, single submitter. Criteria: ACMG Guidelines, 2015. Collection method: clinical testing. Allele origin: germline.